The following is an entry in ClinVar:

NM_004959.5(NR5A1):c.523G>A (p.Gly175Ser)

Gene: NR5A1 (nuclear receptor subfamily 5 group A member 1; minus strand). Cytogenetic location: 9q33.3.
Variant type: single nucleotide variant.
Coding change: c.523G>A on transcript NM_004959.5 (MANE Select); coding-DNA position 523, G replaced by A.
Protein change: p.Gly175Ser; replaces glycine 175 with serine.
Molecular consequence: missense variant.
Genome position (GRCh38, 1-based): chr9:124,500,437, C>T on the plus strand (G>A on the coding strand, the complement: NR5A1 is on the minus strand). VCF-style: chr9-124500437-C-T. GRCh37 (hg19) VCF-style: chr9-127262716-C-T.
Other names: short protein forms G175S.
Identifiers: ClinVar variation 2953258 (VCV002953258.3), dbSNP rs960530026, ClinGen allele CA199728905.
Genomic context (GRCh38, chr9:124,500,437, plus strand): 5'-ACTTGATGGCACGGCCAGGAAAGGCAGGGTAGAGGTAGCCAGCCAGTGGCCCGTGGGCAC[C>T]GGGCACGGCCATGGGCAGTGCTGGGGCCCCAAAGTCGCCCAGTGGCCCAGCAGGTGGACC-3'
Protein context (NP_004950.2, residues 165-185): GAPALPMAVP[Gly175Ser]AHGPLAGYLY

ClinVar aggregate classification (germline): Uncertain significance (1 of 4 stars; one submission).

Conditions:
Oligosynaptic infertility (SPGF1). Also called: SPERMATOGENIC FAILURE 1; OLIGOCHIASMATIC INFERTILITY. Identifiers: MedGen C0403810, MONDO:0009776, OMIM 258150.
46 XY differences of sex development. Also called: 46, XY disorder of sex development (DSD); 46,XY disorder of sex development. Identifiers: Orphanet 98085, MedGen C2751824, MONDO:0020040.

Allele frequency attached by ClinVar (database versions not stated): gnomAD exomes 0.00003; TOPMed 0.00002; gnomAD 0.00003.

Submission:

Labcorp Genetics (formerly Invitae), Labcorp
Classification: Uncertain significance for 46 XY differences of sex development; Oligosynaptic infertility. Last evaluated: 2024-10-14. Review status: criteria provided, single submitter. Criteria: Invitae Variant Classification Sherloc (09022015). Collection method: clinical testing. Allele origin: germline.
Comment: This sequence change replaces glycine, which is neutral and non-polar, with serine, which is neutral and polar, at codon 175 of the NR5A1 protein (p.Gly175Ser). The frequency data for this variant in the population databases is considered unreliable, as metrics indicate poor data quality at this position in the gnomAD database. This variant has not been reported in the literature in individuals affected with NR5A1-related conditions. Invitae Evidence Modeling of protein sequence and biophysical properties (such as structural, functional, and spatial information, amino acid conservation, physicochemical variation, residue mobility, and thermodynamic stability) indicates that this missense variant is not expected to disrupt NR5A1 protein function with a negative predictive value of 95%. In summary, the available evidence is currently insufficient to determine the role of this variant in disease. Therefore, it has been classified as a Variant of Uncertain Significance.